The following is an entry in ClinVar:

NM_031418.4(ANO3):c.2453G>C (p.Gly818Ala)

Gene: ANO3 (anoctamin 3; plus strand). Cytogenetic location: 11p14.2.
Variant type: single nucleotide variant.
Coding change: c.2453G>C on transcript NM_031418.4 (MANE Select); coding-DNA position 2453, G replaced by C.
Protein change: p.Gly818Ala; replaces glycine 818 with alanine.
Molecular consequence: missense variant.
Genome position (GRCh38, 1-based): chr11:26,647,733, G>C. VCF-style: chr11-26647733-G-C. GRCh37 (hg19) VCF-style: chr11-26669280-G-C.
Other names: c.2636G>C, p.Gly879Ala (NM_001313726.2); c.2015G>C, p.Gly672Ala (NM_001313727.2); short protein forms G818A, G879A, G672A.
Identifiers: ClinVar variation 450571 (VCV000450571.7), dbSNP rs750997370, ClinGen allele CA5926529.
Genomic context (GRCh38, chr11:26,647,733, plus strand): 5'-ATTTTTGTTCACCATGATTAATCTTTCTCTTACCAGGTATCTGGCTTGGAATTCTCGAAG[G>C]AATCGGTATATTGGCTGTGATCACCAATGCATTTGTAATTGCTATTACTTCTGATTACAT-3'
Protein context (NP_113606.2, residues 808-828): DIGIWLGILE[Gly818Ala]IGILAVITNA

ClinVar aggregate classification (germline): Uncertain significance. Review status: criteria provided, multiple submitters, no conflicts (2 of 4 stars). 3 submissions from 3 submitters: Uncertain significance (3). Last evaluated 2025-08-14.

Conditions:
Dystonic disorder. Also called: Dystonia. Identifiers: MedGen C0013421, MONDO:0003441, HP:0001332.
Inborn genetic diseases. Identifiers: MedGen C0950123, MeSH D030342.

Allele frequency attached by ClinVar (database versions not stated): TOPMed below 0.00001; ExAC 0.00001; gnomAD 0.00001; gnomAD exomes 0.00001.
gnomAD v4.1: 31 of 1,607,258 alleles (0.0019%); highest among the groups gnomAD compares: Non-Finnish European, 0.0026%; no homozygotes.

Submissions (3):

Ambry Genetics
Classification: Uncertain significance for Inborn genetic diseases. Last evaluated: 2025-08-14. Review status: criteria provided, single submitter. Criteria: Ambry Variant Classification Scheme 2023. Collection method: clinical testing. Allele origin: germline.

Labcorp Genetics (formerly Invitae), Labcorp
Classification: Uncertain significance for Dystonic disorder. Last evaluated: 2023-07-25. Review status: criteria provided, single submitter. Criteria: Invitae Variant Classification Sherloc (09022015). Collection method: clinical testing. Allele origin: germline.
Comment: This missense change has been observed in individual(s) with clinical features of ANO3-related conditions (Invitae). In summary, the available evidence is currently insufficient to determine the role of this variant in disease. Therefore, it has been classified as a Variant of Uncertain Significance. Advanced modeling of protein sequence and biophysical properties (such as structural, functional, and spatial information, amino acid conservation, physicochemical variation, residue mobility, and thermodynamic stability) performed at Invitae indicates that this missense variant is not expected to disrupt ANO3 protein function. ClinVar contains an entry for this variant (Variation ID: 450571). This variant is present in population databases (rs750997370, gnomAD 0.0009%). This sequence change replaces glycine, which is neutral and non-polar, with alanine, which is neutral and non-polar, at codon 818 of the ANO3 protein (p.Gly818Ala).

GeneDx
Classification: Uncertain significance. Last evaluated: 2023-03-07. Review status: criteria provided, single submitter. Criteria: GeneDx Variant Classification Process June 2021. Collection method: clinical testing. Allele origin: germline. Affected: yes.
Comment: Not observed at significant frequency in large population cohorts (gnomAD); In silico analysis supports that this missense variant has a deleterious effect on protein structure/function; Has not been previously published as pathogenic or benign to our knowledge